The following is an entry in ClinVar:

NM_001386298.1(CIC):c.3123C>T (p.Ser1041=)

Gene: CIC (capicua transcriptional repressor; plus strand). Cytogenetic location: 19q13.2.
Variant type: single nucleotide variant.
Coding change: c.3123C>T on transcript NM_001386298.1 (MANE Select); coding-DNA position 3123, C replaced by T.
Protein change: p.Ser1041=; no amino-acid change (serine 1041 retained).
Molecular consequence: synonymous variant.
Genome position (GRCh38, 1-based): chr19:42,287,184, C>T. VCF-style: chr19-42287184-C-T. GRCh37 (hg19) VCF-style: chr19-42791336-C-T.
Other names: c.3123C>T, p.Ser1041= (NM_001304815.2, NM_001379480.1, NM_001379482.1 and 6 more transcripts); c.396C>T, p.Ser132= (NM_001379484.1, NM_001379485.1, NM_001439189.1 and 3 more transcripts).
Identifiers: ClinVar variation 4872882 (VCV004872882.3).

ClinVar aggregate classification (germline): Likely benign. Review status: criteria provided, multiple submitters, no conflicts (2 of 4 stars). 2 submissions from 2 submitters: Likely benign (2). Last evaluated 2026-04-01.

gnomAD v4.1: 45 of 1,613,462 alleles (0.0028%); highest among the groups gnomAD compares: African/African-American, 0.016%; no homozygotes.

Submissions (2):

CeGaT Center for Human Genetics Tuebingen
Classification: Likely benign. Last evaluated: 2026-04-01. Review status: criteria provided, single submitter. Criteria: CeGaT Center For Human Genetics Tuebingen Variant Classification Criteria Version 2. Collection method: clinical testing. Allele origin: germline. Affected: yes. Observed: 1 variant allele.
Comment: CIC: BP4, BP7

Blueprint Genetics
Classification: Likely benign. Last evaluated: 2019-05-27. Review status: criteria provided, single submitter. Criteria: ACMG Guidelines, 2015. Collection method: clinical testing. Allele origin: germline.